The following is an entry in ClinVar:

ClinVar aggregate classification (germline): Benign (1 of 4 stars; one submission).

Allele frequency attached by ClinVar (database versions not stated): TOPMed 0.15519; 1000 Genomes Project 30x 0.16099; gnomAD 0.16101 and 0.16303; 1000 Genomes Project 0.16693.
gnomAD v4.1: 24,696 of 152,008 alleles (16%); highest among the groups gnomAD compares: East Asian, 21%; 2,096 homozygotes.

Submission:

GeneDx
Classification: Benign. Last evaluated: 2018-06-16. Review status: criteria provided, single submitter. Criteria: GeneDx Variant Classification (06012015). Collection method: clinical testing. Allele origin: germline. Affected: yes.
Comment: This variant is considered likely benign or benign based on one or more of the following criteria: it is a conservative change, it occurs at a poorly conserved position in the protein, it is predicted to be benign by multiple in silico algorithms, and/or has population frequency not consistent with disease.

NM_005592.4(MUSK):c.359-335G>A

Gene: MUSK (muscle associated receptor tyrosine kinase; plus strand). Cytogenetic location: 9q31.3.
Variant type: single nucleotide variant.
Coding change: c.359-335G>A on transcript NM_005592.4 (MANE Select); 335 bases into the intron before coding-DNA position 359, G replaced by A.
Molecular consequence: intron variant.
Genome position (GRCh38, 1-based): chr9:110,695,068, G>A. VCF-style: chr9-110695068-G-A. GRCh37 (hg19) VCF-style: chr9-113457348-G-A.
Other names: c.359-335G>A (NM_001166280.2, NM_001166281.2).
Identifiers: ClinVar variation 667461 (VCV000667461.1), dbSNP rs10980530, ClinGen allele CA198339688.